The following is an entry in ClinVar:

NM_004614.5(TK2):c.575G>A (p.Arg192Lys)

Gene: TK2 (thymidine kinase 2; minus strand). Cytogenetic location: 16q21.
Variant type: single nucleotide variant.
Coding change: c.575G>A on transcript NM_004614.5 (MANE Select); coding-DNA position 575, G replaced by A.
Protein change: p.Arg192Lys; replaces arginine 192 with lysine.
Molecular consequence: missense variant. On other transcripts: non-coding transcript variant (1), intron variant (1).
Genome position (GRCh38, 1-based): chr16:66,517,179, C>T on the plus strand (G>A on the coding strand, the complement: TK2 is on the minus strand). VCF-style: chr16-66517179-C-T. GRCh37 (hg19) VCF-style: chr16-66551082-C-T.
Other names: c.482G>A, p.Arg161Lys (NM_001172643.1); c.500G>A, p.Arg167Lys (NM_001172644.2); c.521G>A, p.Arg174Lys (NM_001172645.2); c.428G>A, p.Arg143Lys (NM_001271934.2); c.284G>A, p.Arg95Lys (NM_001272050.2); c.357-3368G>A (NM_001271935.1); short protein forms R192K, R161K, R174K, R95K, R143K, R167K.
Identifiers: ClinVar variation 38994 (VCV000038994.11), dbSNP rs281865496, ClinGen allele CA343315.

ClinVar aggregate classification (germline): Pathogenic. Review status: criteria provided, multiple submitters, no conflicts (2 of 4 stars). 4 submissions from 4 submitters: Pathogenic (3). 1 of the submissions does not count toward it. Last evaluated 2025-11-24.

Conditions:
Mitochondrial disease. Also called: Mitochondrial disorder; Mitochondrial disorders. Identifiers: Orphanet 68380, MedGen C0751651, MeSH D028361, MONDO:0044970.
Mitochondrial DNA depletion syndrome, myopathic form (MTDPS2). Also called: MITOCHONDRIAL DNA DEPLETION MYOPATHY, TK2-RELATED; MITOCHONDRIAL DNA DEPLETION SYNDROME 2 (MYOPATHIC TYPE); TK2-Related Mitochondrial DNA Maintenance Defect, Myopathic Form. Identifiers: Orphanet 254875, MedGen C3149750, MONDO:0012301, OMIM 609560.

Allele frequency attached by ClinVar (database versions not stated): gnomAD exomes below 0.00001.
gnomAD v4.1: 1 of 1,614,162 alleles (0.000062%); highest among the groups gnomAD compares: Admixed American, 0.0017%; no homozygotes.

Submissions (4):

Genomenon, Inc
Classification: Pathogenic for Mitochondrial disease. Last evaluated: 2025-11-24. Review status: criteria provided, single submitter. Criteria: Genomenon Sequence Variant Interpretation Standards - Updated. Collection method: curation. Allele origin: germline. Affected: yes.
Comment: TK2 p.Arg192Lys (c.575G>A) is a missense variant that changes the amino acid at residue 192 from Arginine to Lysine. It is also described as R161K and R234K in the literature. This variant has been observed in multiple probands affected with mitochondrial disease in the compound heterozygous state (31125140, 29735374, 25948719, 29602790, 15639197) and was found to segregate with disease in an affected family (29735374). Experimental studies have shown that this variant results in a significant reduction of catalytic activity compared to the wild type (15639197). This variant is not present at a significant frequency in gnomAD, and in silico models agree that this variant is possibly or probably damaging. In conclusion, we classify TK2 p.Arg192Lys (c.575G>A) as a pathogenic variant.

Labcorp Genetics (formerly Invitae), Labcorp
Classification: Pathogenic. Last evaluated: 2022-08-05. Review status: criteria provided, single submitter. Criteria: Invitae Variant Classification Sherloc (09022015). Collection method: clinical testing. Allele origin: germline.
Comment: This variant is also known as R161K. This sequence change replaces arginine, which is basic and polar, with lysine, which is basic and polar, at codon 192 of the TK2 protein (p.Arg192Lys). This variant is present in population databases (rs281865496, gnomAD 0.003%). This missense change has been observed in individuals with mitochondrial DNA depletion syndrome (PMID: 15639197, 25948719, 29735374, 31125140). ClinVar contains an entry for this variant (Variation ID: 38994). Algorithms developed to predict the effect of missense changes on protein structure and function (SIFT, PolyPhen-2, Align-GVGD) all suggest that this variant is likely to be disruptive. Experimental studies have shown that this missense change affects TK2 function (PMID: 15639197). This variant disrupts the p.Arg192 amino acid residue in TK2. Other variant(s) that disrupt this residue have been observed in individuals with TK2-related conditions (PMID: 27660820), which suggests that this may be a clinically significant amino acid residue. For these reasons, this variant has been classified as Pathogenic.

GeneDx
Classification: Pathogenic. Last evaluated: 2017-05-18. Review status: criteria provided, single submitter. Criteria: GeneDx Variant Classification (06012015). Collection method: clinical testing. Allele origin: germline. Affected: yes.
Comment: The R192K variant in the TK2 gene has been reported previously in association with mitochondrial DNA depletion syndrome in an affected individual who was compound heterozygous for the R192K variant and another disease-causing variant (Wang et al., 2005). The R192K variant is not observed in large population cohorts (Lek et al., 2016; 1000 Genomes Consortium et al., 2015; Exome Variant Server). The R192K variant is conservative amino acid substitution and occurs at a position that is conserved across species. Functional studies of the R192K variant demonstrated residual enzyme activity of 4% compared to wild type (Wang et al., 2005). We interpret R192K as a pathogenic variant.

GeneReviews
No classification provided. Condition: Mitochondrial DNA depletion syndrome, myopathic form. Review status: no classification provided. Collection method: literature only. Allele origin: germline. Not counted in ClinVar's aggregate classification.

Literature cited by the submitters: PubMed 31125140 (cited by Genomenon, Inc and Labcorp Genetics (formerly Invitae), Labcorp); PubMed 29735374 (cited by Genomenon, Inc and Labcorp Genetics (formerly Invitae), Labcorp); PubMed 25948719 (cited by Genomenon, Inc and Labcorp Genetics (formerly Invitae), Labcorp); PubMed 29602790 (cited by Genomenon, Inc); PubMed 15639197 (cited by Genomenon, Inc and Labcorp Genetics (formerly Invitae), Labcorp); PubMed 27660820 (cited by Labcorp Genetics (formerly Invitae), Labcorp).